The following is an entry in ClinVar:

ClinVar aggregate classification (germline): Pathogenic/Likely pathogenic. Review status: criteria provided, multiple submitters, no conflicts (2 of 4 stars). 24 submissions from 23 submitters: Pathogenic (16); Likely pathogenic (4). 4 of the submissions do not count toward it. Last evaluated 2025-12-09.

Conditions:
POLG-related disorder. Also called: POLG-related condition; POLG-Related Disorders; POLG-Related Spectrum Disorders. Identifiers: MedGen C4763519.
Mitochondrial DNA depletion syndrome 4b. Also called: Mitochondrial Neurogastrointestinal Encephalopathy Disease, POLG-Related; MNGIE, POLG-RELATED. Identifiers: Orphanet 298, MedGen C3150914, MONDO:0013350, OMIM 613662.
Sensory ataxic neuropathy, dysarthria, and ophthalmoparesis (SANDO). Also called: Epilepsy, progressive myoclonic, type 5; Sensory ataxic neuropathy-dysarthria-ophthalmoparesis syndrome; SENSORY ATAXIC NEUROPATHY WITH MITOCHONDRIAL DNA DELETIONS, AUTOSOMAL RECESSIVE; Ataxia Neuropathy Spectrum (ANS). Identifiers: Orphanet 70595, MedGen C1843851, MONDO:0011835, OMIM 607459.
Progressive sclerosing poliodystrophy (MTDPS4A). Also called: Alpers Syndrome; ALPERS DIFFUSE DEGENERATION OF CEREBRAL GRAY MATTER WITH HEPATIC CIRRHOSIS; Mitochondrial DNA Depletion Syndrome 4A; Mitochondrial DNA depletion syndrome 4A (Alpers type); NEURONAL DEGENERATION OF CHILDHOOD WITH LIVER DISEASE, PROGRESSIVE; ALPERS PROGRESSIVE INFANTILE POLIODYSTROPHY. Identifiers: Orphanet 726, MedGen C0205710, MONDO:0008758, OMIM 203700.
Progressive external ophthalmoplegia with mitochondrial DNA deletions, autosomal dominant 1 (PEOA1). Also called: PROGRESSIVE EXTERNAL OPHTHALMOPLEGIA, AUTOSOMAL DOMINANT 1; Autosomal Dominant Progressive External Ophthalmoplegia (adPEO). Identifiers: MedGen C1834846, MONDO:0024528, OMIM 157640.
Progressive external ophthalmoplegia with mitochondrial DNA deletions, autosomal recessive 1 (PEOB1). Also called: Progressive external ophthalmoplegia, autosomal recessive 1; Autosomal Recessive Progressive External Ophthalmoplegia (arPEO). Identifiers: Orphanet 254886, MedGen C4225153, MONDO:0009783, OMIM 258450.
Mitochondrial DNA depletion syndrome 1. Also called: Mitochondrial DNA Depletion Syndrome, MNGIE Form; Mitochondrial Neurogastrointestinal Encephalopathy Disease; MITOCHONDRIAL NEUROGASTROINTESTINAL ENCEPHALOPATHY SYNDROME, TYMP-RELATED; MNGIE, TYMP-RELATED; Mitochondrial DNA depletion syndrome 1 (MNGIE type); POLIP SYNDROME. Identifiers: Orphanet 298, MedGen C4551995, MONDO:0011283, OMIM 603041.
Inborn genetic diseases. Identifiers: MedGen C0950123, MeSH D030342.
Autosomal recessive POLG-related disorders.

Allele frequency attached by ClinVar (database versions not stated): gnomAD exomes 0.00002 and 0.00006; gnomAD 0.00003 and 0.00004; TOPMed 0.00003; ExAC 0.00008.
gnomAD v4.1: 38 of 1,613,046 alleles (0.0024%); highest among the groups gnomAD compares: South Asian, 0.024%; no homozygotes.

Submissions 1 to 10 of 24:

Variantyx, Inc.
Classification: Likely pathogenic for Autosomal recessive POLG-related disorders. Last evaluated: 2025-12-09. Review status: criteria provided, single submitter. Criteria: Variantyx Assertion Criteria 2022. Collection method: clinical testing. Allele origin: germline. Inheritance: Autosomal recessive inheritance. Affected: yes.
Comment: This is a nonsynonymous variant in the POLG gene (OMIM: 174763). Pathogenic variants in this gene have been associated with autosomal recessive POLG-related disorders. This variant has been identified in the homozygous or compound heterozygous state in at least six individuals reported in the published literature (PMID: 22006280, 30634555, 31521625, 32860008, 36703500, 38605122) (PM3_Strong). Multiple computational algorithms predict a deleterious effect for this variant (REVEL score: 0.935) (PP3). This variant has a 0.0242% maximum allele frequency in non-founder control populations (PM2). Based on the current evidence, this variant is classified as likely pathogenic for autosomal recessive POLG-related disorders.

Women's Health and Genetics/Laboratory Corporation of America, LabCorp
Classification: Pathogenic for POLG-related disorder. Last evaluated: 2025-12-03. Review status: criteria provided, single submitter. Criteria: LabCorp Variant Classification Summary - May 2015. Collection method: clinical testing. Allele origin: germline.
Comment: Variant summary: POLG c.911T>G (p.Leu304Arg) results in a non-conservative amino acid change in the encoded protein sequence. Algorithms developed to predict the effect of missense changes on protein structure and function all suggest that this variant is likely to be disruptive. The variant allele was found at a frequency of 5.7e-05 in 247470 control chromosomes (gnomAD). This frequency is not significantly higher than estimated for disease-causing variants in POLG, allowing no conclusion about variant significance. c.911T>G has been observed in multiple individuals affected with POLG-Related Spectrum Disorders (e.g. Tang_2011). These data indicate that the variant is very likely to be associated with disease. The following publication has been ascertained in the context of this evaluation (PMID: 21880868). ClinVar contains an entry for this variant (Variation ID: 13497). Based on the evidence outlined above, the variant was classified as pathogenic.

Labcorp Genetics (formerly Invitae), Labcorp
Classification: Pathogenic for Progressive sclerosing poliodystrophy. Last evaluated: 2025-10-18. Review status: criteria provided, single submitter. Criteria: Invitae Variant Classification Sherloc (09022015). Collection method: clinical testing. Allele origin: germline.
Comment: This sequence change replaces leucine, which is neutral and non-polar, with arginine, which is basic and polar, at codon 304 of the POLG protein (p.Leu304Arg). This variant is present in population databases (rs121918044, gnomAD 0.04%). This missense change has been observed in individual(s) with autosomal recessive POLG-related disorders (PMID: 11431686, 16639411, 21880868, 22006280, 24288107). In at least one individual the data is consistent with being in trans (on the opposite chromosome) from a pathogenic variant. ClinVar contains an entry for this variant (Variation ID: 13497). Invitae Evidence Modeling of protein sequence and biophysical properties (such as structural, functional, and spatial information, amino acid conservation, physicochemical variation, residue mobility, and thermodynamic stability) indicates that this missense variant is expected to disrupt POLG protein function with a positive predictive value of 95%. Experimental studies have shown that this missense change affects POLG function (PMID: 20601675, 26095671). For these reasons, this variant has been classified as Pathogenic.

Kariminejad - Najmabadi Pathology & Genetics Center
Classification: Pathogenic for Progressive external ophthalmoplegia with mitochondrial DNA deletions, autosomal recessive 1. Last evaluated: 2024-04-12. Review status: criteria provided, single submitter. Criteria: ACMG Guidelines, 2015. Collection method: clinical testing. Allele origin: germline. Inheritance: Autosomal recessive inheritance. Affected: yes.
Comment: PM3, PP5, PM2, PP3, PS3_Supporting, PM1, PP1, PP2

Baylor Genetics
Classification: Pathogenic for Progressive sclerosing poliodystrophy. Last evaluated: 2024-03-23. Review status: criteria provided, single submitter. Criteria: ACMG Guidelines, 2015. Collection method: clinical testing. Allele origin: unknown.

Fulgent Genetics
Classification: Pathogenic for Progressive external ophthalmoplegia with mitochondrial DNA deletions, autosomal dominant 1; Progressive sclerosing poliodystrophy; Progressive external ophthalmoplegia with mitochondrial DNA deletions, autosomal recessive 1; Sensory ataxic neuropathy, dysarthria, and ophthalmoparesis; Mitochondrial DNA depletion syndrome 4b. Last evaluated: 2024-03-20. Review status: criteria provided, single submitter. Criteria: ACMG Guidelines, 2015. Collection method: clinical testing. Allele origin: germline.

Blueprint Genetics
Classification: Pathogenic for POLG-related disorders. Last evaluated: 2023-09-19. Review status: criteria provided, single submitter. Criteria: ACMG Guidelines, 2015. Collection method: clinical testing. Allele origin: germline. Affected: yes. Observed: 5 variant alleles.

Neurometabolic Diseases Laboratory, Bellvitge Biomedical Research Institute (IDIBELL)
Classification: Pathogenic for POLG-related disorders. Last evaluated: 2023-04-27. Review status: criteria provided, single submitter. Criteria: ACMG Guidelines, 2015. Collection method: research. Allele origin: germline. Affected: yes.

Foundation for Research in Genetics and Endocrinology, FRIGE's Institute of Human Genetics
Classification: Pathogenic for Progressive external ophthalmoplegia with mitochondrial DNA deletions, autosomal recessive 1. Last evaluated: 2022-10-17. Review status: criteria provided, single submitter. Criteria: ACMG Guidelines, 2015. Collection method: clinical testing. Allele origin: germline. Inheritance: Autosomal recessive inheritance. Affected: yes. Observed: 1 heterozygote.
Comment: A Hetrozygous variation in exon 4 of the POLG gene that results in the aminoacid substitution of Arginine for Leucine at codon 304 was detected.The observed variant c.911T>G (p.Leu304Arg) has not been reported in the 1000 genomes and ExAC databases. The in silico prediction of the variant are possibly damaging by PolyPhen-2 (HumDiv) and damaging by LRT and MutationTaster2. The reference codon is conserved across species.In summary, the variant meets our criteria to be classified as pathogenic.

Institute of Medical Genetics and Genomics, Sir Ganga Ram Hospital
Classification: Likely pathogenic for Progressive sclerosing poliodystrophy. Last evaluated: 2022-10-17. Review status: criteria provided, single submitter. Criteria: ACMG Guidelines, 2015. Collection method: clinical testing. Allele origin: germline. Inheritance: Autosomal recessive inheritance. Affected: yes. Observed: 1 compound heterozygote.
Comment: The variant c.911 T>G (p.Leu304Arg) is present in compound heterozygous state with c.368 T>G (p.Val123Gly) in POLG gene. This variant has been present in 0.036% in gnomAD and 0.0074% in ExAc. This variant has been reported previously PMID: 32567010. Based on segregation studies and the clinical features, this variant is classified as Pathogenic.

NM_002693.3(POLG):c.911T>G (p.Leu304Arg)

Gene: POLG (DNA polymerase gamma, catalytic subunit; minus strand). Cytogenetic location: 15q26.1.
Variant type: single nucleotide variant.
Coding change: c.911T>G on transcript NM_002693.3 (MANE Select); coding-DNA position 911, T replaced by G.
Protein change: p.Leu304Arg; replaces leucine 304 with arginine.
Molecular consequence: missense variant.
Genome position (GRCh38, 1-based): chr15:89,329,055, A>C on the plus strand (T>G on the coding strand, the complement: POLG is on the minus strand). VCF-style: chr15-89329055-A-C. GRCh37 (hg19) VCF-style: chr15-89872286-A-C.
Other names: p.L304R:CTA>CGA; c.911T>G, p.Leu304Arg (NM_001126131.2); short protein forms L304R.
Identifiers: ClinVar variation 13497 (VCV000013497.82), dbSNP rs121918044, ClinGen allele CA256883.